The following is an entry in ClinVar:

ClinVar aggregate classification (germline): Conflicting classifications of pathogenicity. Review status: criteria provided, conflicting classifications (1 of 4 stars). 2 submissions from 2 submitters: Likely pathogenic (1); Uncertain significance (1). Last evaluated 2025-01-01.

Conditions:
Seizure. Also called: Seizures. Identifiers: MedGen C0036572, HP:0001250.

Submissions (2):

CeGaT Center for Human Genetics Tuebingen
Classification: Uncertain significance. Last evaluated: 2025-01-01. Review status: criteria provided, single submitter. Criteria: CeGaT Center For Human Genetics Tuebingen Variant Classification Criteria Version 2. Collection method: clinical testing. Allele origin: germline. Affected: yes. Observed: 1 variant allele.
Comment: RORB: PM2:Supporting, BP4

Cytogénomique, Hospices Civils de Lyon
Classification: Likely pathogenic for Seizures. Last evaluated: 2024-05-29. Review status: criteria provided, single submitter. Criteria: ACMG Guidelines, 2015. Collection method: clinical testing. Allele origin: de novo. Affected: yes. Observed: 1 variant allele, 1 heterozygote.

NM_006914.4(RORB):c.1224G>A (p.Lys408=)

Gene: RORB (RAR related orphan receptor B; plus strand). Cytogenetic location: 9q21.13.
Variant type: single nucleotide variant.
Coding change: c.1224G>A on transcript NM_006914.4 (MANE Select); coding-DNA position 1224, G replaced by A.
Protein change: p.Lys408=; no amino-acid change (lysine 408 retained).
Molecular consequence: synonymous variant.
Genome position (GRCh38, 1-based): chr9:74,671,901, G>A. VCF-style: chr9-74671901-G-A. GRCh37 (hg19) VCF-style: chr9-77286817-G-A.
Other names: c.1257G>A, p.Lys419= (NM_001365023.1).
Identifiers: ClinVar variation 3237176 (VCV003237176.15), dbSNP rs2489648843.
Genomic context (GRCh38, chr9:74,671,901, plus strand): 5'-TTATTTTGCACTTCAACATGTGATTCAGAAGAATCACCTGGATGATGAGACCTTGGCAAA[G>A]GTAGGTCCACAGATCACAGAGCCACCACCACCAAAAGAGAGCACAGTGAGCAAAAAGGAC-3'
Protein context (NP_008845.2, residues 398-418): KNHLDDETLA[Lys408=]LIAKIPTITA